The following is an entry in ClinVar:

NM_017565.4(FAM20A):c.1055G>A (p.Arg352Lys)

Genes: FAM20A (FAM20A golgi associated secretory pathway pseudokinase; minus strand), PRKAR1A (protein kinase cAMP-dependent type I regulatory subunit alpha; plus strand). Cytogenetic location: 17q24.2.
Variant type: single nucleotide variant.
Coding change: c.1055G>A on transcript NM_017565.4 (MANE Select); coding-DNA position 1055, G replaced by A.
Protein change: p.Arg352Lys; replaces arginine 352 with lysine.
Molecular consequence: missense variant. On other transcripts: non-coding transcript variant (1), intron variant (1).
Genome position (GRCh38, 1-based): chr17:68,542,039, C>T on the plus strand (G>A on the coding strand, the complement: FAM20A is on the minus strand). VCF-style: chr17-68542039-C-T. GRCh37 (hg19) VCF-style: chr17-66538180-C-T.
Other names: c.641G>A, p.Arg214Lys (NM_001243746.2); c.974-9045C>T (NM_001276290.1); short protein forms R214K, R352K.
Identifiers: ClinVar variation 1447740 (VCV001447740.8), dbSNP rs142113880, ClinGen allele CA8729832.

ClinVar aggregate classification (germline): Uncertain significance (1 of 4 stars; one submission).

Allele frequency attached by ClinVar (database versions not stated): gnomAD exomes below 0.00001 and 0.00001; TOPMed 0.00007; gnomAD 0.00011; ESP Exome Variant Server 0.00015; ExAC 0.00002.
gnomAD v4.1: 18 of 1,613,974 alleles (0.0011%); highest among the groups gnomAD compares: African/African-American, 0.024%; no homozygotes.

Submission:

Labcorp Genetics (formerly Invitae), Labcorp
Classification: Uncertain significance. Last evaluated: 2020-12-21. Review status: criteria provided, single submitter. Criteria: Invitae Variant Classification Sherloc (09022015). Collection method: clinical testing. Allele origin: germline.
Comment: This variant has not been reported in the literature in individuals with FAM20A-related conditions. This sequence change replaces arginine with lysine at codon 352 of the FAM20A protein (p.Arg352Lys). The arginine residue is highly conserved and there is a small physicochemical difference between arginine and lysine. This variant is present in population databases (rs142113880, ExAC 0.02%). Algorithms developed to predict the effect of missense changes on protein structure and function (SIFT, PolyPhen-2, Align-GVGD) all suggest that this variant is likely to be disruptive, but these predictions have not been confirmed by published functional studies and their clinical significance is uncertain. Algorithms developed to predict the effect of sequence changes on RNA splicing suggest that this variant may create or strengthen a splice site, but this prediction has not been confirmed by published transcriptional studies. In summary, the available evidence is currently insufficient to determine the role of this variant in disease. Therefore, it has been classified as a Variant of Uncertain Significance.